The following is an entry in ClinVar:

NM_001297563.2(TCEANC):c.489G>A (p.Ser163=)

Gene: TCEANC (transcription elongation factor A N-terminal and central domain containing; plus strand). Cytogenetic location: Xp22.2.
Variant type: single nucleotide variant.
Coding change: c.489G>A on transcript NM_001297563.2 (MANE Select); coding-DNA position 489, G replaced by A.
Protein change: p.Ser163=; no amino-acid change (serine 163 retained).
Molecular consequence: synonymous variant.
Genome position (GRCh38, 1-based): chrX:13,662,997, G>A. VCF-style: chrX-13662997-G-A. GRCh37 (hg19) VCF-style: chrX-13681116-G-A.
Other names: c.489G>A, p.Ser163= (NM_001297564.2); c.579G>A, p.Ser193= (NM_152634.4).
Identifiers: ClinVar variation 2660027 (VCV002660027.24), dbSNP rs979198880, ClinGen allele CA326856707.

ClinVar aggregate classification (germline): Likely benign (1 of 4 stars; one submission).

Allele frequency attached by ClinVar (database versions not stated): gnomAD exomes below 0.00001; TOPMed below 0.00001; gnomAD 0.00002.
gnomAD v4.1: 3 of 1,209,382 alleles (0.00025%); highest among the groups gnomAD compares: Middle Eastern, 0.046%; no homozygotes.

Submission:

CeGaT Center for Human Genetics Tuebingen
Classification: Likely benign. Last evaluated: 2022-05-01. Review status: criteria provided, single submitter. Criteria: CeGaT Center For Human Genetics Tuebingen Variant Classification Criteria Version 2. Collection method: clinical testing. Allele origin: germline. Affected: yes. Observed: 1 variant allele.
Comment: TCEANC: BP4, BP7